The following is an entry in ClinVar:

ClinVar aggregate classification (germline): Uncertain significance (1 of 4 stars; one submission).

Allele frequency attached by ClinVar (database versions not stated): gnomAD 0.00001 and 0.00003; TOPMed 0.00003; gnomAD exomes 0.00006 and 0.00007; ExAC 0.00011; 1000 Genomes Project 30x 0.00016; 1000 Genomes Project 0.00020.
gnomAD v4.1: 54 of 779,232 alleles (0.0069%); highest among the groups gnomAD compares: East Asian, 0.1%; no homozygotes.

Submission:

Labcorp Genetics (formerly Invitae), Labcorp
Classification: Uncertain significance. Last evaluated: 2021-09-17. Review status: criteria provided, single submitter. Criteria: Invitae Variant Classification Sherloc (09022015). Collection method: clinical testing. Allele origin: germline.
Comment: This sequence change replaces threonine with methionine at codon 25 of the MPC1 protein (p.Thr25Met). The threonine residue is moderately conserved and there is a moderate physicochemical difference between threonine and methionine. This variant is present in population databases (rs138551064, ExAC 0.1%). This variant has not been reported in the literature in individuals affected with MPC1-related conditions. Algorithms developed to predict the effect of missense changes on protein structure and function are either unavailable or do not agree on the potential impact of this missense change (SIFT: "Deleterious"; PolyPhen-2: "Possibly Damaging"; Align-GVGD: "Class C0"). In summary, the available evidence is currently insufficient to determine the role of this variant in disease. Therefore, it has been classified as a Variant of Uncertain Significance.

NM_016098.4(MPC1):c.74C>T (p.Thr25Met)

Gene: MPC1 (mitochondrial pyruvate carrier 1; minus strand). Cytogenetic location: 6q27.
Variant type: single nucleotide variant.
Coding change: c.74C>T on transcript NM_016098.4 (MANE Select); coding-DNA position 74, C replaced by T.
Protein change: p.Thr25Met; replaces threonine 25 with methionine.
Molecular consequence: missense variant. On other transcripts: 5 prime UTR variant (1), non-coding transcript variant (1), intron variant (4).
Genome position (GRCh38, 1-based): chr6:166,370,219, G>A on the plus strand (C>T on the coding strand, the complement: MPC1 is on the minus strand). VCF-style: chr6-166370219-G-A. GRCh37 (hg19) VCF-style: chr6-166783707-G-A.
Other names: c.-272C>T (NM_001270879.2); c.74C>T, p.Thr25Met (NM_001376569.1); c.-54-3328C>T (NM_001376566.1); c.-270-3035C>T (NM_001376567.1); c.-245-1284C>T (NM_001376568.1); c.-461-1284C>T (NM_001376565.1); short protein forms T25M.
Identifiers: ClinVar variation 1427530 (VCV001427530.5), dbSNP rs138551064, ClinGen allele CA4093717.
Genomic context (GRCh38, chr6:166,370,219, plus strand): 5'-AACTCTGTTAATGCAGAAAGTCTGCAAAAGCCTGAAATGGATGGAAATAATTTTCTTACC[G>A]TACTATTTTGTGAAGAGTCACCGAAGTTCAGACAGGACAGACATGGAAAAAAAAGAAACA-3'
Protein context (NP_057182.1, residues 15-35): SKDFRDYLMS[Thr25Met]HFWGPVANWG